The following is an entry in ClinVar:

NM_014795.4(ZEB2):c.1277T>A (p.Leu426Ter)

Gene: ZEB2 (zinc finger E-box binding homeobox 2; minus strand). Cytogenetic location: 2q22.3.
Variant type: single nucleotide variant.
Coding change: c.1277T>A on transcript NM_014795.4 (MANE Select); coding-DNA position 1277, T replaced by A.
Protein change: p.Leu426Ter; replaces leucine 426 with a stop codon.
Molecular consequence: nonsense.
Genome position (GRCh38, 1-based): chr2:144,399,910, A>T on the plus strand (T>A on the coding strand, the complement: ZEB2 is on the minus strand). VCF-style: chr2-144399910-A-T. GRCh37 (hg19) VCF-style: chr2-145157477-A-T.
Other names: c.1205T>A, p.Leu402Ter (NM_001171653.2); short protein forms L426*, L402*.
Identifiers: ClinVar variation 844347 (VCV000844347.9), dbSNP rs786204807, ClinGen allele CA348712209.

ClinVar aggregate classification (germline): Pathogenic (1 of 4 stars; one submission).

Conditions:
Mowat-Wilson syndrome (MOWS). Also called: Classic Mowat-Wilson Syndrome. Identifiers: Orphanet 2152, MedGen C1856113, MONDO:0009341, OMIM 235730.

Submission:

Labcorp Genetics (formerly Invitae), Labcorp
Classification: Pathogenic for Mowat-Wilson syndrome. Last evaluated: 2024-10-16. Review status: criteria provided, single submitter. Criteria: Invitae Variant Classification Sherloc (09022015). Collection method: clinical testing. Allele origin: germline.
Comment: This sequence change creates a premature translational stop signal (p.Leu426*) in the ZEB2 gene. It is expected to result in an absent or disrupted protein product. Loss-of-function variants in ZEB2 are known to be pathogenic (PMID: 16053902). This variant is not present in population databases (gnomAD no frequency). This premature translational stop signal has been observed in individual(s) with clinical features of Mowat-Wilson syndrome (internal data). ClinVar contains an entry for this variant (Variation ID: 844347). For these reasons, this variant has been classified as Pathogenic.

Literature cited by the submitters: PubMed 16053902.